The following is an entry in ClinVar:

NM_006118.4(HAX1):c.157A>G (p.Ser53Gly)

Gene: HAX1 (HCLS1 associated protein X-1; plus strand). Cytogenetic location: 1q21.3.
Variant type: single nucleotide variant.
Coding change: c.157A>G on transcript NM_006118.4 (MANE Select); coding-DNA position 157, A replaced by G.
Protein change: p.Ser53Gly; replaces serine 53 with glycine.
Molecular consequence: missense variant. On other transcripts: intron variant (1).
Genome position (GRCh38, 1-based): chr1:154,273,439, A>G. VCF-style: chr1-154273439-A-G. GRCh37 (hg19) VCF-style: chr1-154245915-A-G.
Other names: c.54-41A>G (NM_001018837.2); short protein forms S53G.
Identifiers: ClinVar variation 2166797 (VCV002166797.3), dbSNP rs765941497, ClinGen allele CA1127270.
Genomic context (GRCh38, chr1:154,273,439, plus strand): 5'-GATGATGAGGAAGAAGAAGAAGAAGGGGGCTCATGGGGCCGTGGGAACCCAAGGTTCCAT[A>G]GTCCTCAGCACCCCCCTGAGGAATTTGGCTTCGGCTTCAGCTTCAGCCCAGGAGGAGGGA-3'
Protein context (NP_006109.2, residues 43-63): SWGRGNPRFH[Ser53Gly]PQHPPEEFGF

ClinVar aggregate classification (germline): Conflicting classifications of pathogenicity. Review status: criteria provided, conflicting classifications (1 of 4 stars). 2 submissions from 2 submitters: Uncertain significance (1); Likely benign (1). Last evaluated 2025-03-04.

Conditions:
Inborn genetic diseases. Identifiers: MedGen C0950123, MeSH D030342.
Kostmann syndrome (SCN3). Also called: KOSTMANN DISEASE; Autosomal recessive severe congenital neutropenia type 3. Identifiers: Orphanet 99749, MedGen C5235141, MONDO:0012548, OMIM 610738.

Allele frequency attached by ClinVar (database versions not stated): ExAC 0.00001; gnomAD 0.00001; TOPMed 0.00001.
gnomAD v4.1: 13 of 1,614,068 alleles (0.00081%); highest among the groups gnomAD compares: East Asian, 0.029%; no homozygotes.

Submissions (2):

Ambry Genetics
Classification: Likely benign for Inborn genetic diseases. Last evaluated: 2025-03-04. Review status: criteria provided, single submitter. Criteria: Ambry Variant Classification Scheme 2023. Collection method: clinical testing. Allele origin: germline.

Labcorp Genetics (formerly Invitae), Labcorp
Classification: Uncertain significance for Kostmann syndrome. Last evaluated: 2024-11-12. Review status: criteria provided, single submitter. Criteria: Invitae Variant Classification Sherloc (09022015). Collection method: clinical testing. Allele origin: germline.
Comment: This sequence change replaces serine, which is neutral and polar, with glycine, which is neutral and non-polar, at codon 53 of the HAX1 protein (p.Ser53Gly). This variant is present in population databases (rs765941497, gnomAD 0.03%). This variant has not been reported in the literature in individuals affected with HAX1-related conditions. ClinVar contains an entry for this variant (Variation ID: 2166797). An algorithm developed to predict the effect of missense changes on protein structure and function outputs the following: PolyPhen-2: "Benign". The glycine amino acid residue is found in multiple mammalian species, which suggests that this missense change does not adversely affect protein function. In summary, the available evidence is currently insufficient to determine the role of this variant in disease. Therefore, it has been classified as a Variant of Uncertain Significance.